The following is an entry in ClinVar:

ClinVar aggregate classification (germline): Uncertain significance (1 of 4 stars; one submission).

Conditions:
Hereditary cancer-predisposing syndrome. Also called: Hereditary Cancer Syndrome; Hereditary neoplastic syndrome; Neoplastic Syndromes, Hereditary; Tumor predisposition. Identifiers: Orphanet 140162, MedGen C0027672, MeSH D009386, MONDO:0015356.

Submission:

Ambry Genetics
Classification: Uncertain significance for Hereditary cancer-predisposing syndrome. Last evaluated: 2025-09-02. Review status: criteria provided, single submitter. Criteria: Ambry Variant Classification Scheme 2023. Collection method: clinical testing. Allele origin: germline.
Comment: The p.A1565G variant (also known as c.4694C>G), located in coding exon 22 of the DICER1 gene, results from a C to G substitution at nucleotide position 4694. The alanine at codon 1565 is replaced by glycine, an amino acid with similar properties. This amino acid position is conserved. In addition, this alteration is predicted to be deleterious by in silico analysis. Based on the available evidence, the clinical significance of this variant remains unclear.

NM_177438.3(DICER1):c.4694C>G (p.Ala1565Gly)

Gene: DICER1 (dicer 1, ribonuclease III; minus strand). Cytogenetic location: 14q32.13.
Variant type: single nucleotide variant.
Coding change: c.4694C>G on transcript NM_177438.3 (MANE Select); coding-DNA position 4694, C replaced by G.
Protein change: p.Ala1565Gly; replaces alanine 1565 with glycine.
Molecular consequence: missense variant. On other transcripts: non-coding transcript variant (6).
Genome position (GRCh38, 1-based): chr14:95,096,226, G>C on the plus strand (C>G on the coding strand, the complement: DICER1 is on the minus strand). VCF-style: chr14-95096226-G-C. GRCh37 (hg19) VCF-style: chr14-95562563-G-C.
Other names: c.4694C>G, p.Ala1565Gly (NM_001195573.1, NM_001271282.3, NM_001291628.2 and 12 more transcripts); c.4412C>G, p.Ala1471Gly (NM_001395686.1); c.4289C>G, p.Ala1430Gly (NM_001395687.1, NM_001395688.1, NM_001395689.1 and 2 more transcripts); c.4127C>G, p.Ala1376Gly (NM_001395691.1); c.3011C>G, p.Ala1004Gly (NM_001395697.1); short protein forms A1471G, A1565G, A1004G, A1376G, A1430G.
Identifiers: ClinVar variation 4240539 (VCV004240539.1).